The following is an entry in ClinVar:

ClinVar aggregate classification (germline): Uncertain significance (1 of 4 stars; one submission).

Conditions:
PHIP-related disorder. Also called: PHIP-related disorders; PHIP-related condition.

gnomAD v4.1: 27 of 1,609,378 alleles (0.0017%); highest among the groups gnomAD compares: Non-Finnish European, 0.0021%; no homozygotes.

Submission:

PreventionGenetics, part of Exact Sciences
Classification: Uncertain significance for PHIP-related condition. Last evaluated: 2025-08-11. Review status: criteria provided, single submitter. Criteria: ACMG Guidelines, 2015. Collection method: clinical testing. Allele origin: germline.
Comment: The PHIP c.12G>C variant is predicted to result in the amino acid substitution p.Glu4Asp. To our knowledge, this variant has not been reported in the literature or in a large population database (gnomAD), indicating this variant is rare. At this time, the clinical significance of this variant is uncertain due to the absence of conclusive functional and genetic evidence.

NM_017934.7(PHIP):c.12G>C (p.Glu4Asp)

Genes: PHIP (PHIP subunit of CUL4-Ring ligase complex; minus strand), LOC129996745 (ATAC-STARR-seq lymphoblastoid silent region 17346; plus strand). Cytogenetic location: 6q14.1.
Variant type: single nucleotide variant.
Coding change: c.12G>C on transcript NM_017934.7 (MANE Select); coding-DNA position 12, G replaced by C.
Protein change: p.Glu4Asp; replaces glutamic acid 4 with aspartic acid.
Molecular consequence: missense variant.
Genome position (GRCh38, 1-based): chr6:79,078,057, C>G on the plus strand (G>C on the coding strand, the complement: PHIP is on the minus strand). VCF-style: chr6-79078057-C-G. GRCh37 (hg19) VCF-style: chr6-79787774-C-G.
Other names: short protein forms E4D.
Identifiers: ClinVar variation 4984520 (VCV004984520.1).